The following is an entry in ClinVar:

ClinVar aggregate classification (germline): Uncertain significance (1 of 4 stars; one submission).

Conditions:
GNPTAB-mucolipidosis. Also called: UDP-N-acetylglucosamine-1-phosphotransferase subunit alpha/beta deficiency. Identifiers: MedGen CN322573, MONDO:0100122.

gnomAD v4.1: 1 of 1,590,302 alleles (0.000063%); highest among the groups gnomAD compares: Non-Finnish European, 0.000086%; no homozygotes.

Submission:

Myriad Genetics, Inc.
Classification: Uncertain significance for GNPTAB-mucolipidosis. Last evaluated: 2026-08-18. Review status: criteria provided, single submitter. Criteria: Myriad Autosomal Dominant, Autosomal Recessive and X-Linked Classification Criteria (2023). Collection method: clinical testing. Allele origin: unknown.
Comment: NM_024312.4(GNPTAB):c.11A>C(K4T) is a missense variant classified as a variant of uncertain significance in the context of GNPTAB-related disorders. K4T has been observed in a case with relevant disease (PMID: 41064848). Relevant functional assessments of this variant are not available in the literature. K4T has not been observed in referenced population frequency databases. In summary, there is insufficient evidence to classify NM_024312.4(GNPTAB):c.11A>C(K4T) as pathogenic or benign. Please note: this variant was assessed in the context of healthy population screening.

Literature cited by the submitters: PubMed 41064848.

NM_024312.5(GNPTAB):c.11A>C (p.Lys4Thr)

Gene: GNPTAB (N-acetylglucosamine-1-phosphate transferase subunits alpha and beta; minus strand). Cytogenetic location: 12q23.2.
Variant type: single nucleotide variant.
Coding change: c.11A>C on transcript NM_024312.5 (MANE Select); coding-DNA position 11, A replaced by C.
Protein change: p.Lys4Thr; replaces lysine 4 with threonine.
Molecular consequence: missense variant.
Genome position (GRCh38, 1-based): chr12:101,830,665, T>G on the plus strand (A>C on the coding strand, the complement: GNPTAB is on the minus strand). VCF-style: chr12-101830665-T-G. GRCh37 (hg19) VCF-style: chr12-102224443-T-G.
Other names: short protein forms K4T.
Identifiers: ClinVar variation 5003340 (VCV005003340.1).